The following is an entry in ClinVar:

NM_001165963.4(SCN1A):c.3685C>T (p.Leu1229Phe)

Genes: SCN1A (sodium voltage-gated channel alpha subunit 1; minus strand), LOC102724058 (uncharacterized LOC102724058; plus strand). Cytogenetic location: 2q24.3.
Variant type: single nucleotide variant.
Coding change: c.3685C>T on transcript NM_001165963.4 (MANE Select); coding-DNA position 3685, C replaced by T.
Protein change: p.Leu1229Phe; replaces leucine 1229 with phenylalanine.
Molecular consequence: missense variant. On other transcripts: non-coding transcript variant (1).
Genome position (GRCh38, 1-based): chr2:166,013,764, G>A on the plus strand (C>T on the coding strand, the complement: SCN1A is on the minus strand). VCF-style: chr2-166013764-G-A. GRCh37 (hg19) VCF-style: chr2-166870274-G-A.
Other names: c.3601C>T, p.Leu1201Phe (NM_001165964.3, NM_001353957.2, NM_001353958.2); c.3685C>T, p.Leu1229Phe (NM_001202435.3, NM_001353948.2); c.3652C>T, p.Leu1218Phe (NM_001353949.2, NM_001353950.2, NM_001353951.2 and 2 more transcripts); c.3649C>T, p.Leu1217Phe (NM_001353954.2, NM_001353955.2); c.3598C>T, p.Leu1200Phe (NM_001353960.2); c.1243C>T, p.Leu415Phe (NM_001353961.2); short protein forms L1200F, L1201F, L1217F, L1218F, L1229F, L415F.
Identifiers: ClinVar variation 1716797 (VCV001716797.5), dbSNP rs2468530922, ClinGen allele CA349055723.

ClinVar aggregate classification (germline): Uncertain significance (1 of 4 stars; one submission).

Conditions:
Early-infantile DEE. Also called: Early infantile epileptic encephalopathy with suppression bursts; Early infantile epileptic encephalopathy; Ohtahara syndrome. Identifiers: Orphanet 1934, MedGen C0393706, MONDO:0800491.

Submission:

Labcorp Genetics (formerly Invitae), Labcorp
Classification: Uncertain significance for Early-infantile DEE. Last evaluated: 2022-08-22. Review status: criteria provided, single submitter. Criteria: Invitae Variant Classification Sherloc (09022015). Collection method: clinical testing. Allele origin: germline.
Comment: This sequence change replaces leucine, which is neutral and non-polar, with phenylalanine, which is neutral and non-polar, at codon 1229 of the SCN1A protein (p.Leu1229Phe). This variant is not present in population databases (gnomAD no frequency). This variant has not been reported in the literature in individuals affected with SCN1A-related conditions. Advanced modeling of protein sequence and biophysical properties (such as structural, functional, and spatial information, amino acid conservation, physicochemical variation, residue mobility, and thermodynamic stability) performed at Invitae indicates that this missense variant is expected to disrupt SCN1A protein function. In summary, the available evidence is currently insufficient to determine the role of this variant in disease. Therefore, it has been classified as a Variant of Uncertain Significance.